The following is an entry in ClinVar:

ClinVar aggregate classification (germline): Conflicting classifications of pathogenicity. Review status: criteria provided, conflicting classifications (1 of 4 stars). 2 submissions from 2 submitters: Uncertain significance (1); Likely benign (1). Last evaluated 2025-06-01.

Conditions:
Inborn genetic diseases. Identifiers: MedGen C0950123, MeSH D030342.

Submissions (2):

Labcorp Genetics (formerly Invitae), Labcorp
Classification: Uncertain significance. Last evaluated: 2025-06-01. Review status: criteria provided, single submitter. Criteria: Invitae Variant Classification Sherloc (09022015). Collection method: clinical testing. Allele origin: germline.
Comment: This sequence change replaces serine, which is neutral and polar, with arginine, which is basic and polar, at codon 58 of the MBD4 protein (p.Ser58Arg). This variant is not present in population databases (gnomAD no frequency). This variant has not been reported in the literature in individuals affected with MBD4-related conditions. ClinVar contains an entry for this variant (Variation ID: 3543809). An algorithm developed to predict the effect of missense changes on protein structure and function outputs the following: PolyPhen-2: "Benign". The arginine amino acid residue is found in multiple mammalian species, which suggests that this missense change does not adversely affect protein function. In summary, the available evidence is currently insufficient to determine the role of this variant in disease. Therefore, it has been classified as a Variant of Uncertain Significance.

Ambry Genetics
Classification: Likely benign for Inborn genetic diseases. Last evaluated: 2025-01-03. Review status: criteria provided, single submitter. Criteria: Ambry Variant Classification Scheme 2023. Collection method: clinical testing. Allele origin: germline.

NM_001276270.2(MBD4):c.174C>G (p.Ser58Arg)

Gene: MBD4 (methyl-CpG binding domain 4, DNA glycosylase; minus strand). Cytogenetic location: 3q21.3.
Variant type: single nucleotide variant.
Coding change: c.174C>G on transcript NM_001276270.2 (MANE Select); coding-DNA position 174, C replaced by G.
Protein change: p.Ser58Arg; replaces serine 58 with arginine.
Molecular consequence: missense variant.
Genome position (GRCh38, 1-based): chr3:129,437,881, G>C on the plus strand (C>G on the coding strand, the complement: MBD4 is on the minus strand). VCF-style: chr3-129437881-G-C. GRCh37 (hg19) VCF-style: chr3-129156724-G-C.
Other names: c.174C>G, p.Ser58Arg (NM_001276271.2, NM_001276272.2, NM_001276273.2 and 1 more transcripts); short protein forms S58R.
Identifiers: ClinVar variation 3543809 (VCV003543809.3).